The following is an entry in ClinVar:

NM_001270974.2(HYDIN):c.2176G>C (p.Asp726His)

Gene: HYDIN (HYDIN axonemal central pair apparatus protein; minus strand). Cytogenetic location: 16q22.2.
Variant type: single nucleotide variant.
Coding change: c.2176G>C on transcript NM_001270974.2 (MANE Select); coding-DNA position 2176, G replaced by C.
Protein change: p.Asp726His; replaces aspartic acid 726 with histidine.
Molecular consequence: missense variant.
Genome position (GRCh38, 1-based): chr16:71,064,740, C>G on the plus strand (G>C on the coding strand, the complement: HYDIN is on the minus strand). VCF-style: chr16-71064740-C-G. GRCh37 (hg19) VCF-style: chr16-71098643-C-G.
Other names: c.2257G>C, p.Asp753His (NM_001198542.1); c.2227G>C, p.Asp743His (NM_001198543.1); c.2176G>C, p.Asp726His (NM_017558.5); short protein forms D726H, D743H, D753H.
Identifiers: ClinVar variation 3778137 (VCV003778137.7).
Genomic context (GRCh38, chr16:71,064,740, plus strand): 5'-ACTGAAGAAGGAGAAAGGAACTCACCTGAGGCTGGACCTCATAGAATCCTGGGAGGTCAT[C>G]TTGATTGGCAAGCTGGAGTGTTTTCTCATACGGGTACTTCAGGAAGCAGTGCCCAAAGTC-3'
Protein context (NP_001257903.1, residues 716-736): YEKTLQLANQ[Asp726His]DLPGFYEVQP

ClinVar aggregate classification (germline): Uncertain significance (1 of 4 stars; one submission).

gnomAD v4.1: 13 of 1,614,078 alleles (0.00081%); highest among the groups gnomAD compares: Middle Eastern, 0.017%; no homozygotes.

Submission:

CeGaT Center for Human Genetics Tuebingen
Classification: Uncertain significance. Last evaluated: 2025-03-01. Review status: criteria provided, single submitter. Criteria: CeGaT Center For Human Genetics Tuebingen Variant Classification Criteria Version 2. Collection method: clinical testing. Allele origin: germline. Affected: yes. Observed: 1 variant allele.
Comment: HYDIN: PM2, BP4